The following is an entry in ClinVar:

NM_006244.4(PPP2R5B):c.1318A>G (p.Thr440Ala)

Gene: PPP2R5B (protein phosphatase 2 regulatory subunit B'beta; plus strand). Cytogenetic location: 11q13.1.
Variant type: single nucleotide variant.
Coding change: c.1318A>G on transcript NM_006244.4 (MANE Select); coding-DNA position 1318, A replaced by G.
Protein change: p.Thr440Ala; replaces threonine 440 with alanine.
Molecular consequence: missense variant.
Genome position (GRCh38, 1-based): chr11:64,933,218, A>G. VCF-style: chr11-64933218-A-G. GRCh37 (hg19) VCF-style: chr11-64700690-A-G.
Other names: short protein forms T440A.
Identifiers: ClinVar variation 4143224 (VCV004143224.2).

ClinVar aggregate classification (germline): Uncertain significance. Review status: criteria provided, multiple submitters, no conflicts (2 of 4 stars). 2 submissions from 2 submitters: Uncertain significance (2). Last evaluated 2025-09-09.

Submissions (2):

Ambry Genetics
Classification: Uncertain significance. Last evaluated: 2025-09-09. Review status: criteria provided, single submitter. Criteria: Ambry Variant Classification Scheme 2023. Collection method: clinical testing. Allele origin: germline.

Labcorp Genetics (formerly Invitae), Labcorp
Classification: Uncertain significance. Last evaluated: 2025-04-07. Review status: criteria provided, single submitter. Criteria: Invitae Variant Classification Sherloc (09022015). Collection method: clinical testing. Allele origin: germline.
Comment: This sequence change replaces threonine, which is neutral and polar, with alanine, which is neutral and non-polar, at codon 440 of the PPP2R5B protein (p.Thr440Ala). This variant is present in population databases (rs748385615, gnomAD 0.002%). This variant has not been reported in the literature in individuals affected with PPP2R5B-related conditions. Invitae Evidence Modeling of protein sequence and biophysical properties (such as structural, functional, and spatial information, amino acid conservation, physicochemical variation, residue mobility, and thermodynamic stability) indicates that this missense variant is not expected to disrupt PPP2R5B protein function with a negative predictive value of 80%. In summary, the available evidence is currently insufficient to determine the role of this variant in disease. Therefore, it has been classified as a Variant of Uncertain Significance.